The following is an entry in ClinVar:

NM_001905.4(CTPS1):c.337+10G>C

Gene: CTPS1 (CTP synthase 1; plus strand). Cytogenetic location: 1p34.2.
Variant type: single nucleotide variant.
Coding change: c.337+10G>C on transcript NM_001905.4 (MANE Select); 10 bases into the intron after coding-DNA position 337, G replaced by C.
Molecular consequence: intron variant.
Genome position (GRCh38, 1-based): chr1:40,985,001, G>C. VCF-style: chr1-40985001-G-C. GRCh37 (hg19) VCF-style: chr1-41450673-G-C.
Other names: c.337+10G>C (NM_001905.3).
Identifiers: ClinVar variation 2199655 (VCV002199655.5), dbSNP rs1434468705, ClinGen allele CA522803813.

ClinVar aggregate classification (germline): Likely benign. Review status: criteria provided, multiple submitters, no conflicts (2 of 4 stars). 2 submissions from 2 submitters: Likely benign (2). Last evaluated 2025-03-04.

Conditions:
CTPS1-related disorder. Also called: CTPS1-related condition.
Combined immunodeficiency due to CTPS1 deficiency. Also called: Immunodeficiency 24; Severe combined immunodeficiency due to CTPS1 deficiency. Identifiers: Orphanet 420573, MedGen C4014617, MONDO:0014391, OMIM 615897.

Allele frequency attached by ClinVar (database versions not stated): TOPMed below 0.00001; gnomAD 0.00001.
gnomAD v4.1: 5 of 1,537,716 alleles (0.00033%); highest among the groups gnomAD compares: Non-Finnish European, 0.00044%; no homozygotes.

Submissions (2):

PreventionGenetics, part of Exact Sciences
Classification: Likely benign for CTPS1-related condition. Last evaluated: 2025-03-04. Review status: criteria provided, single submitter. Criteria: ACMG Guidelines, 2015. Collection method: clinical testing. Allele origin: germline.
Comment: This variant is classified as likely benign based on ACMG/AMP sequence variant interpretation guidelines (Richards et al. 2015 PMID: 25741868, with internal and published modifications).

Labcorp Genetics (formerly Invitae), Labcorp
Classification: Likely benign for Combined immunodeficiency due to CTPS1 deficiency. Last evaluated: 2023-05-16. Review status: criteria provided, single submitter. Criteria: Invitae Variant Classification Sherloc (09022015). Collection method: clinical testing. Allele origin: germline.